The following is an entry in ClinVar:

NM_152703.5(SAMD9L):c.1448A>G (p.Lys483Arg)

Gene: SAMD9L (sterile alpha motif domain containing 9 like; minus strand). Cytogenetic location: 7q21.2.
Variant type: single nucleotide variant.
Coding change: c.1448A>G on transcript NM_152703.5 (MANE Select); coding-DNA position 1448, A replaced by G.
Protein change: p.Lys483Arg; replaces lysine 483 with arginine.
Molecular consequence: missense variant.
Genome position (GRCh38, 1-based): chr7:93,134,524, T>C on the plus strand (A>G on the coding strand, the complement: SAMD9L is on the minus strand). VCF-style: chr7-93134524-T-C. GRCh37 (hg19) VCF-style: chr7-92763837-T-C.
Other names: c.1448A>G (NM_152703.2); c.1448A>G, p.Lys483Arg (NM_001303497.3, NM_001303498.3, NM_001303500.3 and 5 more transcripts); short protein forms K483R.
Identifiers: ClinVar variation 2706710 (VCV002706710.4), dbSNP rs1792323470, ClinGen allele CA368196532.

ClinVar aggregate classification (germline): Uncertain significance. Review status: criteria provided, multiple submitters, no conflicts (2 of 4 stars). 2 submissions from 2 submitters: Uncertain significance (2). Last evaluated 2025-10-10.

Conditions:
Inborn genetic diseases. Identifiers: MedGen C0950123, MeSH D030342.

Allele frequency attached by ClinVar (database versions not stated): TOPMed below 0.00001.

Submissions (2):

Ambry Genetics
Classification: Uncertain significance for Inborn genetic diseases. Last evaluated: 2025-10-10. Review status: criteria provided, single submitter. Criteria: Ambry Variant Classification Scheme 2023. Collection method: clinical testing. Allele origin: germline.
Comment: The p.K483R variant (also known as c.1448A>G), located in coding exon 1 of the SAMD9L gene, results from an A to G substitution at nucleotide position 1448. The lysine at codon 483 is replaced by arginine, an amino acid with highly similar properties. This amino acid position is conserved. In addition, this alteration is predicted to be tolerated by in silico analysis. Based on the available evidence, the clinical significance of this variant remains unclear.

Labcorp Genetics (formerly Invitae), Labcorp
Classification: Uncertain significance. Last evaluated: 2023-12-31. Review status: criteria provided, single submitter. Criteria: Invitae Variant Classification Sherloc (09022015). Collection method: clinical testing. Allele origin: germline.
Comment: This sequence change replaces lysine, which is basic and polar, with arginine, which is basic and polar, at codon 483 of the SAMD9L protein (p.Lys483Arg). This variant is not present in population databases (gnomAD no frequency). This variant has not been reported in the literature in individuals affected with SAMD9L-related conditions. Advanced modeling of protein sequence and biophysical properties (such as structural, functional, and spatial information, amino acid conservation, physicochemical variation, residue mobility, and thermodynamic stability) performed at Invitae indicates that this missense variant is not expected to disrupt SAMD9L protein function with a negative predictive value of 80%. In summary, the available evidence is currently insufficient to determine the role of this variant in disease. Therefore, it has been classified as a Variant of Uncertain Significance.